The following is an entry in ClinVar:

NM_000352.6(ABCC8):c.2556+22G>A

Gene: ABCC8 (ATP binding cassette subfamily C member 8; minus strand). Cytogenetic location: 11p15.1.
Variant type: single nucleotide variant.
Coding change: c.2556+22G>A on transcript NM_000352.6 (MANE Select); 22 bases into the intron after coding-DNA position 2556, G replaced by A.
Molecular consequence: intron variant.
Genome position (GRCh38, 1-based): chr11:17,412,644, C>T on the plus strand (G>A on the coding strand, the complement: ABCC8 is on the minus strand). VCF-style: chr11-17412644-C-T. GRCh37 (hg19) VCF-style: chr11-17434191-C-T.
Other names: c.2553+22G>A (NM_001351297.2); c.2556+22G>A (NM_001351296.2); c.2622+22G>A (NM_001351295.2); c.2559+22G>A (NM_001287174.3).
Identifiers: ClinVar variation 157693 (VCV000157693.10), dbSNP rs73423036, ClinGen allele CA171065.

ClinVar aggregate classification (germline): Conflicting classifications of pathogenicity. Review status: criteria provided, conflicting classifications (1 of 4 stars). 4 submissions from 3 submitters: Uncertain significance (2); Likely benign (1). 1 of the submissions does not count toward it. Last evaluated 2018-12-12.

Conditions:
Transitory neonatal diabetes mellitus. Also called: Transient neonatal diabetes mellitus. Identifiers: MedGen C0342273, MONDO:0020525, HP:0008255.
Maturity-onset diabetes of the young (MODY). Also called: Maturity onset diabetes mellitus in young. Identifiers: Orphanet 552, MedGen C0342276, MONDO:0018911, HP:0004904.

Allele frequency attached by ClinVar (database versions not stated): gnomAD exomes 0.00112 and 0.00255; ExAC 0.00406; 1000 Genomes Project 30x 0.00703; 1000 Genomes Project 0.00739; gnomAD 0.00950 and 0.01022; ESP Exome Variant Server 0.00986; TOPMed 0.01082.
gnomAD v4.1: 3,147 of 1,604,824 alleles (0.2%); highest among the groups gnomAD compares: African/African-American, 3.3%; 57 homozygotes.

Submissions (4):

GeneDx
Classification: Likely benign. Last evaluated: 2018-12-12. Review status: criteria provided, single submitter. Criteria: GeneDx Variant Classification Process June 2021. Collection method: clinical testing. Allele origin: germline. Affected: yes.

Clinical Genomics, Uppaluri K&H Personalized Medicine Clinic
Classification: Uncertain significance for Maturity-onset diabetes of the young. Review status: criteria provided, single submitter. Criteria: K & H Uppaluri Personalized Medicine Clinic Variant Classification & Assertion Criteria_Updated V.1. Collection method: research. Allele origin: unknown. Inheritance: Somatic mutation.
Comment: Mutations in ABCC8 gene are associated with both neonatal diabetes mellitus as well as MODY. Patients with this mutation may have a better response to sulfonylureas. However, no sufficient evidence is found to ascertain the role of this particular variant ( rs73423036) in MODY yet.

Clinical Genomics, Uppaluri K&H Personalized Medicine Clinic
Classification: Uncertain significance for Transitory neonatal diabetes mellitus. Review status: criteria provided, single submitter. Criteria: K & H Uppaluri Personalized Medicine Clinic Variant Classification & Assertion Criteria_Updated V.1. Collection method: research. Allele origin: unknown. Inheritance: Somatic mutation.
Comment: Mutations in ABCC8 gene are associated with both neonatal diabetes mellitus as well as MODY. Patients with this mutation may have a better response to sulfonylureas. However, no sufficient evidence is found to ascertain the role of this particular variant ( rs73423036) in neonatal diabetes yet.

Genetic Services Laboratory, University of Chicago
Classification: Likely benign. Review status: no assertion criteria provided. Collection method: clinical testing. Allele origin: germline. Inheritance: Autosomal unknown. Not counted in ClinVar's aggregate classification.
Comment: Likely benign based on allele frequency in 1000 Genomes Project or ESP global frequency and its presence in a patient with a rare or unrelated disease phenotype. NOT Sanger confirmed

Literature cited by the submitters: PubMed 16885549 (cited by Clinical Genomics, Uppaluri K&H Personalized Medicine Clinic); PubMed 21989597 (cited by Clinical Genomics, Uppaluri K&H Personalized Medicine Clinic); PubMed 27538677 (cited by Clinical Genomics, Uppaluri K&H Personalized Medicine Clinic); PubMed 18981553 (cited by Clinical Genomics, Uppaluri K&H Personalized Medicine Clinic); PubMed 32027066 (cited by Clinical Genomics, Uppaluri K&H Personalized Medicine Clinic); PubMed 16613899 (cited by Clinical Genomics, Uppaluri K&H Personalized Medicine Clinic); PubMed 18025408 (cited by Clinical Genomics, Uppaluri K&H Personalized Medicine Clinic); PubMed 32792356 (cited by Clinical Genomics, Uppaluri K&H Personalized Medicine Clinic).